The following is an entry in ClinVar:

NM_001042492.3(NF1):c.3940dup (p.Trp1314fs)

Gene: NF1 (neurofibromin 1; plus strand). Cytogenetic location: 17q11.2.
Variant type: Duplication.
Coding change: c.3940dup on transcript NM_001042492.3 (MANE Select); coding-DNA position 3940, one base duplicated (T; older notation c.3940dupT).
Protein change: p.Trp1314fs; shifts the reading frame from tryptophan 1314.
Molecular consequence: frameshift variant.
Genome position (GRCh38, 1-based): chr17:31,235,987, T duplicated; the last of 2 consecutive T bases (chr17:31,235,986-31,235,987); duplicating either gives the same sequence. VCF-style (leftmost placement, unchanged base first): chr17-31235985-A-AT. GRCh37 (hg19) VCF-style: chr17-29563003-A-AT.
Other names: c.3940dup, p.Trp1314Leufs (NM_000267.4); short protein forms W1314fs.
Identifiers: ClinVar variation 1801592 (VCV001801592.4), dbSNP rs2151438640, ClinGen allele CA2580093122.

ClinVar aggregate classification (germline): Pathogenic. Review status: criteria provided, single submitter (1 of 4 stars). 2 submissions from 2 submitters: Pathogenic (1). 1 of the submissions does not count toward it. Last evaluated 2025-06-22.

Conditions:
Neurofibromatosis, type 1 (NF1). Also called: Peripheral type neurofibromatosis; Neurofibromatosis, type I; VON RECKLINGHAUSEN DISEASE; NEUROFIBROMATOSIS, TYPE I, SOMATIC. Identifiers: Orphanet 636, MedGen C0027831, MONDO:0018975, OMIM 162200. Disease mechanism: loss of function.
Gastric cancer. Also called: Malignant tumor of stomach; Stomach cancer. Identifiers: MedGen C0024623, MeSH D013274, MONDO:0001056, OMIM 613659, HP:0012126.

Submissions (2):

Labcorp Genetics (formerly Invitae), Labcorp
Classification: Pathogenic for Neurofibromatosis, type 1. Last evaluated: 2025-06-22. Review status: criteria provided, single submitter. Criteria: Invitae Variant Classification Sherloc (09022015). Collection method: clinical testing. Allele origin: germline.
Comment: This sequence change creates a premature translational stop signal (p.Trp1314Leufs*5) in the NF1 gene. It is expected to result in an absent or disrupted protein product. Loss-of-function variants in NF1 are known to be pathogenic (PMID: 10712197, 23913538). This variant is not present in population databases (gnomAD no frequency). This variant has not been reported in the literature in individuals affected with NF1-related conditions. ClinVar contains an entry for this variant (Variation ID: 1801592). For these reasons, this variant has been classified as Pathogenic.

Laboratory for Genotyping Development, RIKEN
Classification: Pathogenic for Gastric cancer. Last evaluated: 2021-07-01. Review status: no assertion criteria provided. Collection method: research. Allele origin: germline. Not counted in ClinVar's aggregate classification.

Literature cited by the submitters: PubMed 10712197 (cited by Labcorp Genetics (formerly Invitae), Labcorp); PubMed 23913538 (cited by Labcorp Genetics (formerly Invitae), Labcorp); PubMed 36988593 (cited by Laboratory for Genotyping Development, RIKEN).